The following is an entry in ClinVar:

NM_006929.5(SKIC2):c.3029del (p.Gln1010fs)

Gene: SKIC2 (SKI2 subunit of superkiller complex; plus strand). Cytogenetic location: 6p21.33.
Variant type: Deletion.
Coding change: c.3029del on transcript NM_006929.5 (MANE Select); coding-DNA position 3029, one base deleted (A; older notation c.3029delA).
Protein change: p.Gln1010fs; shifts the reading frame from glutamine 1010.
Molecular consequence: frameshift variant.
Genome position (GRCh38, 1-based): chr6:31,968,498, A deleted. VCF-style (leftmost placement, unchanged base first): chr6-31968497-CA-C. GRCh37 (hg19) VCF-style: chr6-31936274-CA-C.
Other names: short protein forms Q1010fs.
Identifiers: ClinVar variation 2846357 (VCV002846357.3), dbSNP rs2482998785, ClinGen allele CA2678078255.

ClinVar aggregate classification (germline): Pathogenic (1 of 4 stars; one submission).

Allele frequency attached by ClinVar (database versions not stated): gnomAD exomes below 0.00001.

Submission:

Labcorp Genetics (formerly Invitae), Labcorp
Classification: Pathogenic. Last evaluated: 2023-11-17. Review status: criteria provided, single submitter. Criteria: Invitae Variant Classification Sherloc (09022015). Collection method: clinical testing. Allele origin: germline.
Comment: This sequence change creates a premature translational stop signal (p.Gln1010Argfs*16) in the SKIV2L gene. It is expected to result in an absent or disrupted protein product. Loss-of-function variants in SKIV2L are known to be pathogenic (PMID: 22444670). This variant is not present in population databases (gnomAD no frequency). This variant has not been reported in the literature in individuals affected with SKIV2L-related conditions. For these reasons, this variant has been classified as Pathogenic.

Literature cited by the submitters: PubMed 22444670.